The following is an entry in ClinVar:

ClinVar aggregate classification (germline): Uncertain significance (1 of 4 stars; one submission).

Allele frequency attached by ClinVar (database versions not stated): gnomAD 0.00001.
gnomAD v4.1: 2 of 1,613,956 alleles (0.00012%); highest among the groups gnomAD compares: Admixed American, 0.0017%; no homozygotes.

Submission:

Ambry Genetics
Classification: Uncertain significance. Last evaluated: 2022-09-11. Review status: criteria provided, single submitter. Criteria: Ambry Variant Classification Scheme 2023. Collection method: clinical testing. Allele origin: germline.
Comment: The p.G308R variant (also known as c.922G>A), located in coding exon 2 of the PALLD gene, results from a G to A substitution at nucleotide position 922. The glycine at codon 308 is replaced by arginine, an amino acid with dissimilar properties. This amino acid position is conserved. In addition, the in silico prediction for this alteration is inconclusive. Since supporting evidence is limited at this time, the clinical significance of this alteration remains unclear.

NM_001166108.2(PALLD):c.922G>A (p.Gly308Arg)

Gene: PALLD (palladin, cytoskeletal associated protein; plus strand). Cytogenetic location: 4q32.3.
Variant type: single nucleotide variant.
Coding change: c.922G>A on transcript NM_001166108.2 (MANE Select); coding-DNA position 922, G replaced by A.
Protein change: p.Gly308Arg; replaces glycine 308 with arginine.
Molecular consequence: missense variant. On other transcripts: 5 prime UTR variant (1).
Genome position (GRCh38, 1-based): chr4:168,668,203, G>A. VCF-style: chr4-168668203-G-A. GRCh37 (hg19) VCF-style: chr4-169589354-G-A.
Other names: c.-225G>A (NM_001166109.2); c.922G>A, p.Gly308Arg (NM_016081.4); short protein forms G308R.
Identifiers: ClinVar variation 1766263 (VCV001766263.2), dbSNP rs1779840122, ClinGen allele CA358793608.
Genomic context (GRCh38, chr4:168,668,203, plus strand): 5'-ATTTCCTTTCTTTCCCTCCTATCCTTTGACCTCCATTTGGCCTGCAGATGGTTCTGTGAA[G>A]GGAAAGAACTGCACAACACTCCTGATATTCAAATCCACTGTGAGGGAGGGGACCTCCATA-3'
Protein context (NP_001159580.1, residues 298-318): PTPRVRWFCE[Gly308Arg]KELHNTPDIQ